The following is an entry in ClinVar:

ClinVar aggregate classification (germline): Likely benign (0 of 4 stars; one submission).

Conditions:
EPPK1-related disorder. Also called: EPPK1-related condition.

Allele frequency attached by ClinVar (database versions not stated): ExAC 0.00058; ESP Exome Variant Server 0.00105; 1000 Genomes Project 30x 0.00109; 1000 Genomes Project 0.00140.
gnomAD v4.1: 446 of 1,613,078 alleles (0.028%); highest among the groups gnomAD compares: African/African-American, 0.38%; 2 homozygotes.

Submission:

PreventionGenetics, part of Exact Sciences
Classification: Likely benign for EPPK1-related condition. Last evaluated: 2021-05-19. Review status: no assertion criteria provided. Collection method: clinical testing. Allele origin: germline.
Comment: This variant is classified as likely benign based on ACMG/AMP sequence variant interpretation guidelines (Richards et al. 2015 PMID: 25741868, with internal and published modifications).

NM_031308.4(EPPK1):c.5079C>T (p.Pro1693=)

Gene: EPPK1 (epiplakin 1; minus strand). Cytogenetic location: 8q24.3.
Variant type: single nucleotide variant.
Coding change: c.5079C>T on transcript NM_031308.4 (MANE Select); coding-DNA position 5079, C replaced by T.
Protein change: p.Pro1693=; no amino-acid change (proline 1693 retained).
Molecular consequence: synonymous variant.
Genome position (GRCh38, 1-based): chr8:143,868,175, G>A on the plus strand (C>T on the coding strand, the complement: EPPK1 is on the minus strand). VCF-style: chr8-143868175-G-A. GRCh37 (hg19) VCF-style: chr8-144942343-G-A.
Identifiers: ClinVar variation 3039939 (VCV003039939.2), dbSNP rs112235569, ClinGen allele CA4922273.
Genomic context (GRCh38, chr8:143,868,175, plus strand): 5'-CTCCTCGTCGAAGTAGCCGCAGCGGTAGGCCACGTCCACGGGCACGCGGTGGCTGTGCAC[G>A]GGGTCGATGATGCCGCCCGTGGCGATCTGGGCCTCCAGCAGGCGGATGCCGTGCTCCCGG-3'
Protein context (NP_112598.3, residues 1683-1703): AQIATGGIID[Pro1693=]VHSHRVPVDV